The following is an entry in ClinVar:

ClinVar aggregate classification (germline): Uncertain significance. Review status: criteria provided, multiple submitters, no conflicts (2 of 4 stars). 3 submissions from 3 submitters: Uncertain significance (3). Last evaluated 2024-08-05.

Conditions:
Emery-Dreifuss muscular dystrophy 4, autosomal dominant (EDMD4). Also called: EMERY-DREIFUSS MUSCULAR DYSTROPHY 4 WITH VARIABLE FEATURES. Identifiers: Orphanet 261, MedGen C2751807, MONDO:0013071, OMIM 612998.
Autosomal recessive ataxia, Beauce type. Also called: Spinocerebellar ataxia, autosomal recessive 8; ATAXIA, RECESSIVE, OF BEAUCE; SYNE1-Related Autosomal Recessive Cerebellar Ataxia; SYNE1 Deficiency. Identifiers: Orphanet 88644, MedGen C1853116, MONDO:0012549, OMIM 610743.

Allele frequency attached by ClinVar (database versions not stated): gnomAD 0.00001; gnomAD exomes 0.00001; ExAC 0.00002; TOPMed 0.00002; ESP Exome Variant Server 0.00008.
gnomAD v4.1: 31 of 1,614,058 alleles (0.0019%); highest among the groups gnomAD compares: Non-Finnish European, 0.0025%; 1 homozygote.

Submissions (3):

GeneDx
Classification: Uncertain significance. Last evaluated: 2024-08-05. Review status: criteria provided, single submitter. Criteria: GeneDx Variant Classification Process June 2021. Collection method: clinical testing. Allele origin: germline. Affected: yes.
Comment: Not observed at significant frequency in large population cohorts (gnomAD); In silico analysis supports that this missense variant has a deleterious effect on protein structure/function; Has not been previously published as pathogenic or benign to our knowledge

Labcorp Genetics (formerly Invitae), Labcorp
Classification: Uncertain significance for Emery-Dreifuss muscular dystrophy 4, autosomal dominant; Autosomal recessive ataxia, Beauce type. Last evaluated: 2023-11-27. Review status: criteria provided, single submitter. Criteria: Invitae Variant Classification Sherloc (09022015). Collection method: clinical testing. Allele origin: germline.
Comment: This sequence change replaces serine, which is neutral and polar, with leucine, which is neutral and non-polar, at codon 6811 of the SYNE1 protein (p.Ser6811Leu). This variant is present in population databases (rs373012438, gnomAD 0.003%). This variant has not been reported in the literature in individuals affected with SYNE1-related conditions. ClinVar contains an entry for this variant (Variation ID: 448570). An algorithm developed to predict the effect of missense changes on protein structure and function (PolyPhen-2) suggests that this variant is likely to be tolerated. In summary, the available evidence is currently insufficient to determine the role of this variant in disease. Therefore, it has been classified as a Variant of Uncertain Significance.

Athena Diagnostics
Classification: Uncertain significance. Last evaluated: 2017-02-15. Review status: criteria provided, single submitter. Criteria: Athena Diagnostics Criteria. Collection method: clinical testing. Allele origin: germline.

NM_182961.4(SYNE1):c.20645C>T (p.Ser6882Leu)

Gene: SYNE1 (spectrin repeat containing nuclear envelope protein 1; minus strand). Cytogenetic location: 6q25.2.
Variant type: single nucleotide variant.
Coding change: c.20645C>T on transcript NM_182961.4 (MANE Select); coding-DNA position 20645, C replaced by T.
Protein change: p.Ser6882Leu; replaces serine 6882 with leucine.
Molecular consequence: missense variant.
Genome position (GRCh38, 1-based): chr6:152,233,848, G>A on the plus strand (C>T on the coding strand, the complement: SYNE1 is on the minus strand). VCF-style: chr6-152233848-G-A. GRCh37 (hg19) VCF-style: chr6-152554983-G-A.
Other names: c.20432C>T (NM_033071.3); c.20432C>T, p.Ser6811Leu (NM_033071.5); short protein forms S6811L, S6882L.
Identifiers: ClinVar variation 448570 (VCV000448570.9), dbSNP rs373012438, ClinGen allele CA4054373.
Genomic context (GRCh38, chr6:152,233,848, plus strand): 5'-AGCTTCTCCTGGACGGCTGGGATATTGGTTAGCAGGTCAGTCCACTGGCTATCAATGCGC[G>A]ACAGCTCAGAGCGCAGCGTGGCTGTGTCCACCTTTTTTAGTCGAAGGAGCTGATTTCCAG-3'
Protein context (NP_892006.3, residues 6872-6892): VDTATLRSEL[Ser6882Leu]RIDSQWTDLL